The following is an entry in ClinVar:

NM_178526.5(SLC25A42):c.81+4_81+5del

Gene: SLC25A42 (solute carrier family 25 member 42; plus strand). Cytogenetic location: 19p13.11.
Variant type: Deletion.
Coding change: c.81+4_81+5del on transcript NM_178526.5 (MANE Select); bases 4 to 5 of the intron after coding-DNA position 81, 2 bases deleted (AG; older notation c.81+4_81+5delAG).
Molecular consequence: intron variant.
Genome position (GRCh38, 1-based): chr19:19,096,209-19,096,210, AG deleted. VCF-style (leftmost placement, unchanged base first): chr19-19096208-AAG-A. GRCh37 (hg19) VCF-style: chr19-19207017-AAG-A.
Other names: c.81+4_81+5del (NM_001321544.2).
Identifiers: ClinVar variation 1514179 (VCV001514179.6), dbSNP rs2145916177, ClinGen allele CA2573156280.

ClinVar aggregate classification (germline): Uncertain significance (1 of 4 stars; one submission).

Submission:

Labcorp Genetics (formerly Invitae), Labcorp
Classification: Uncertain significance. Last evaluated: 2024-11-11. Review status: criteria provided, single submitter. Criteria: Invitae Variant Classification Sherloc (09022015). Collection method: clinical testing. Allele origin: germline.
Comment: This sequence change falls in intron 2 of the SLC25A42 gene. It does not directly change the encoded amino acid sequence of the SLC25A42 protein. It affects a nucleotide within the consensus splice site. This variant is not present in population databases (gnomAD no frequency). This variant has not been reported in the literature in individuals affected with SLC25A42-related conditions. ClinVar contains an entry for this variant (Variation ID: 1514179). Variants that disrupt the consensus splice site are a relatively common cause of aberrant splicing (PMID: 17576681, 9536098). Algorithms developed to predict the effect of sequence changes on RNA splicing suggest that this variant may disrupt the consensus splice site. In summary, the available evidence is currently insufficient to determine the role of this variant in disease. Therefore, it has been classified as a Variant of Uncertain Significance.

Literature cited by the submitters: PubMed 17576681; PubMed 9536098.